The following is an entry in ClinVar:

ClinVar aggregate classification (germline): Uncertain significance (1 of 4 stars; one submission).

Conditions:
Ataxia-telangiectasia-like disorder (ATLD). Identifiers: MedGen C1858391, MONDO:0011457.

Allele frequency attached by ClinVar (database versions not stated): TOPMed below 0.00001.

Submission:

Labcorp Genetics (formerly Invitae), Labcorp
Classification: Uncertain significance for Ataxia-telangiectasia-like disorder. Last evaluated: 2019-08-09. Review status: criteria provided, single submitter. Criteria: Invitae Variant Classification Sherloc (09022015). Collection method: clinical testing. Allele origin: germline.
Comment: In summary, the available evidence is currently insufficient to determine the role of this variant in disease. Therefore, it has been classified as a Variant of Uncertain Significance. Algorithms developed to predict the effect of missense changes on protein structure and function are either unavailable or do not agree on the potential impact of this missense change (SIFT: "Tolerated"; PolyPhen-2: "Possibly Damaging"; Align-GVGD: "Class C0"). This variant has not been reported in the literature in individuals with MRE11-related conditions. This variant is not present in population databases (ExAC no frequency). This sequence change replaces valine with leucine at codon 241 of the MRE11 protein (p.Val241Leu). The valine residue is highly conserved and there is a small physicochemical difference between valine and leucine.

NM_005591.4(MRE11):c.721G>C (p.Val241Leu)

Gene: MRE11 (MRE11 double strand break repair nuclease; minus strand). Cytogenetic location: 11q21.
Variant type: single nucleotide variant.
Coding change: c.721G>C on transcript NM_005591.4 (MANE Select); coding-DNA position 721, G replaced by C.
Protein change: p.Val241Leu; replaces valine 241 with leucine.
Molecular consequence: missense variant.
Genome position (GRCh38, 1-based): chr11:94,471,698, C>G on the plus strand (G>C on the coding strand, the complement: MRE11 is on the minus strand). VCF-style: chr11-94471698-C-G. GRCh37 (hg19) VCF-style: chr11-94204864-C-G.
Other names: c.721G>C, p.Val241Leu (NM_001330347.2, NM_005590.4); short protein forms V241L.
Identifiers: ClinVar variation 941397 (VCV000941397.9), dbSNP rs1946718176, ClinGen allele CA382375827.